The following is an entry in ClinVar:

ClinVar aggregate classification (germline): Uncertain significance (1 of 4 stars; one submission).

gnomAD v4.1: 2 of 1,613,294 alleles (0.00012%); highest among the groups gnomAD compares: African/African-American, 0.0013%; no homozygotes.

Submission:

Labcorp Genetics (formerly Invitae), Labcorp
Classification: Uncertain significance. Last evaluated: 2024-08-18. Review status: criteria provided, single submitter. Criteria: Invitae Variant Classification Sherloc (09022015). Collection method: clinical testing. Allele origin: germline.
Comment: This sequence change replaces glycine, which is neutral and non-polar, with valine, which is neutral and non-polar, at codon 254 of the AUTS2 protein (p.Gly254Val). This variant is present in population databases (no rsID available, gnomAD 0.003%). This variant has not been reported in the literature in individuals affected with AUTS2-related conditions. An algorithm developed to predict the effect of missense changes on protein structure and function (PolyPhen-2) suggests that this variant is likely to be tolerated. In summary, the available evidence is currently insufficient to determine the role of this variant in disease. Therefore, it has been classified as a Variant of Uncertain Significance.

NM_015570.4(AUTS2):c.761G>T (p.Gly254Val)

Gene: AUTS2 (activator of transcription and developmental regulator AUTS2; plus strand). Cytogenetic location: 7q11.22.
Variant type: single nucleotide variant.
Coding change: c.761G>T on transcript NM_015570.4 (MANE Select); coding-DNA position 761, G replaced by T.
Protein change: p.Gly254Val; replaces glycine 254 with valine.
Molecular consequence: missense variant.
Genome position (GRCh38, 1-based): chr7:70,762,888, G>T. VCF-style: chr7-70762888-G-T. GRCh37 (hg19) VCF-style: chr7-70227874-G-T.
Other names: c.761G>T, p.Gly254Val (NM_001127231.3); short protein forms G254V.
Identifiers: ClinVar variation 3709537 (VCV003709537.2).